The following is an entry in ClinVar:

ClinVar aggregate classification (germline): Uncertain significance (1 of 4 stars; one submission).

Conditions:
Combined immunodeficiency due to LRBA deficiency. Also called: Common variable immunodeficiency 8, with autoimmunity. Identifiers: Orphanet 445018, MedGen C3553512, MONDO:0013863, OMIM 614700.

gnomAD v4.1: 1 of 1,612,326 alleles (0.000062%); highest among the groups gnomAD compares: Non-Finnish European, 0.000085%; no homozygotes.

Submission:

Labcorp Genetics (formerly Invitae), Labcorp
Classification: Uncertain significance for Combined immunodeficiency due to LRBA deficiency. Last evaluated: 2025-09-20. Review status: criteria provided, single submitter. Criteria: Invitae Variant Classification Sherloc (09022015). Collection method: clinical testing. Allele origin: germline.
Comment: This sequence change replaces serine, which is neutral and polar, with cysteine, which is neutral and slightly polar, at codon 1738 of the LRBA protein (p.Ser1738Cys). This variant is not present in population databases (gnomAD no frequency). This variant has not been reported in the literature in individuals affected with LRBA-related conditions. Invitae Evidence Modeling of protein sequence and biophysical properties (such as structural, functional, and spatial information, amino acid conservation, physicochemical variation, residue mobility, and thermodynamic stability) indicates that this missense variant is not expected to disrupt LRBA protein function with a negative predictive value of 80%. In summary, the available evidence is currently insufficient to determine the role of this variant in disease. Therefore, it has been classified as a Variant of Uncertain Significance.

NM_001364905.1(LRBA):c.5213C>G (p.Ser1738Cys)

Gene: LRBA (LPS responsive beige-like anchor protein; minus strand). Cytogenetic location: 4q31.3.
Variant type: single nucleotide variant.
Coding change: c.5213C>G on transcript NM_001364905.1 (MANE Select); coding-DNA position 5213, C replaced by G.
Protein change: p.Ser1738Cys; replaces serine 1738 with cysteine.
Molecular consequence: missense variant.
Genome position (GRCh38, 1-based): chr4:150,817,216, G>C on the plus strand (C>G on the coding strand, the complement: LRBA is on the minus strand). VCF-style: chr4-150817216-G-C. GRCh37 (hg19) VCF-style: chr4-151738368-G-C.
Other names: c.5213C>G, p.Ser1738Cys (NM_001199282.3, NM_001367550.1, NM_001440430.1 and 2 more transcripts); short protein forms S1738C.
Identifiers: ClinVar variation 4771220 (VCV004771220.1).